The following is an entry in ClinVar:

ClinVar aggregate classification (germline): Uncertain significance. Review status: criteria provided, multiple submitters, no conflicts (2 of 4 stars). 2 submissions from 2 submitters: Uncertain significance (2). Last evaluated 2025-04-13.

Allele frequency attached by ClinVar (database versions not stated): gnomAD exomes below 0.00001; gnomAD 0.00001; TOPMed 0.00001.
gnomAD v4.1: 7 of 1,190,599 alleles (0.00059%); highest among the groups gnomAD compares: African/African-American, 0.0053%; no homozygotes.

Submissions (2):

Labcorp Genetics (formerly Invitae), Labcorp
Classification: Uncertain significance. Last evaluated: 2025-04-13. Review status: criteria provided, single submitter. Criteria: Invitae Variant Classification Sherloc (09022015). Collection method: clinical testing. Allele origin: germline.
Comment: This sequence change replaces glutamic acid, which is acidic and polar, with aspartic acid, which is acidic and polar, at codon 346 of the MSN protein (p.Glu346Asp). This variant is not present in population databases (gnomAD no frequency). This variant has not been reported in the literature in individuals affected with MSN-related conditions. ClinVar contains an entry for this variant (Variation ID: 2417281). An algorithm developed to predict the effect of missense changes on protein structure and function (PolyPhen-2) suggests that this variant is likely to be tolerated. In summary, the available evidence is currently insufficient to determine the role of this variant in disease. Therefore, it has been classified as a Variant of Uncertain Significance.

Blueprint Genetics
Classification: Uncertain significance. Last evaluated: 2021-12-10. Review status: criteria provided, single submitter. Criteria: ACMG Guidelines, 2015. Collection method: clinical testing. Allele origin: germline.

NM_002444.3(MSN):c.1038G>C (p.Glu346Asp)

Gene: MSN (moesin; plus strand). Cytogenetic location: Xq12.
Variant type: single nucleotide variant.
Coding change: c.1038G>C on transcript NM_002444.3 (MANE Select); coding-DNA position 1038, G replaced by C.
Protein change: p.Glu346Asp; replaces glutamic acid 346 with aspartic acid.
Molecular consequence: missense variant.
Genome position (GRCh38, 1-based): chrX:65,736,873, G>C. VCF-style: chrX-65736873-G-C. GRCh37 (hg19) VCF-style: chrX-64956735-G-C.
Other names: short protein forms E346D.
Identifiers: ClinVar variation 2417281 (VCV002417281.7), dbSNP rs1177444733, ClinGen allele CA413413106.